The following is an entry in ClinVar:

NM_012282.4(KCNE5):c.20A>G (p.Gln7Arg)

Gene: KCNE5 (potassium voltage-gated channel subfamily E regulatory subunit 5; minus strand). Cytogenetic location: Xq23.
Variant type: single nucleotide variant.
Coding change: c.20A>G on transcript NM_012282.4 (MANE Select); coding-DNA position 20, A replaced by G.
Protein change: p.Gln7Arg; replaces glutamine 7 with arginine.
Molecular consequence: missense variant.
Genome position (GRCh38, 1-based): chrX:109,625,001, T>C on the plus strand (A>G on the coding strand, the complement: KCNE5 is on the minus strand). VCF-style: chrX-109625001-T-C. GRCh37 (hg19) VCF-style: chrX-108868230-T-C.
Other names: short protein forms Q7R.
Identifiers: ClinVar variation 2554516 (VCV002554516.4), dbSNP rs756107537, ClinGen allele CA10490914.

ClinVar aggregate classification (germline): Uncertain significance. Review status: criteria provided, multiple submitters, no conflicts (2 of 4 stars). 2 submissions from 2 submitters: Uncertain significance (2). Last evaluated 2025-01-26.

Conditions:
Brugada syndrome. Also called: Sudden unexplained nocturnal death syndrome; Sudden unexpected nocturnal death syndrome; Sudden Unexplained Death Syndrome; Sudden Unexplained Nocturnal Death Syndrome (SUNDS). Identifiers: Orphanet 130, MedGen C1142166, MONDO:0015263.

Allele frequency attached by ClinVar (database versions not stated): TOPMed 0.00001; gnomAD exomes 0.00002; ExAC 0.00003.
gnomAD v4.1: 20 of 1,198,945 alleles (0.0017%); highest among the groups gnomAD compares: East Asian, 0.003%; no homozygotes.

Submissions (2):

Labcorp Genetics (formerly Invitae), Labcorp
Classification: Uncertain significance for Brugada syndrome. Last evaluated: 2025-01-26. Review status: criteria provided, single submitter. Criteria: Invitae Variant Classification Sherloc (09022015). Collection method: clinical testing. Allele origin: germline.
Comment: This sequence change replaces glutamine, which is neutral and polar, with arginine, which is basic and polar, at codon 7 of the KCNE5 protein (p.Gln7Arg). This variant is present in population databases (rs756107537, gnomAD 0.009%). This variant has not been reported in the literature in individuals affected with KCNE5-related conditions. ClinVar contains an entry for this variant (Variation ID: 2554516). An algorithm developed to predict the effect of missense changes on protein structure and function outputs the following: PolyPhen-2: "Benign". The arginine amino acid residue is found in multiple mammalian species, which suggests that this missense change does not adversely affect protein function. In summary, the available evidence is currently insufficient to determine the role of this variant in disease. Therefore, it has been classified as a Variant of Uncertain Significance.

Ambry Genetics
Classification: Uncertain significance. Last evaluated: 2024-12-09. Review status: criteria provided, single submitter. Criteria: Ambry Variant Classification Scheme 2023. Collection method: clinical testing. Allele origin: germline.
Comment: The p.Q7R variant (also known as c.20A>G), located in coding exon 1 of the KCNE5 gene, results from an A to G substitution at nucleotide position 20. The glutamine at codon 7 is replaced by arginine, an amino acid with highly similar properties. This amino acid position is conserved. In addition, this alteration is predicted to be tolerated by in silico analysis. Based on the available evidence, the clinical significance of this variant remains unclear.